The following is an entry in ClinVar:

ClinVar aggregate classification (germline): Pathogenic. Review status: criteria provided, multiple submitters, no conflicts (2 of 4 stars). 3 submissions from 3 submitters: Pathogenic (3). Last evaluated 2025-08-18.

Conditions:
PKD1-related disorder. Also called: PKD1-related condition.
Inborn genetic diseases. Identifiers: MedGen C0950123, MeSH D030342.
Polycystic kidney disease, adult type (PKD1). Also called: Polycystic Kidney Disease 1, Autosomal Dominant; Polycystic kidney disease 1; Polycystic kidney disease 1, severe; Polycystic Kidney, Autosomal Dominant; POLYCYSTIC KIDNEY DISEASE 1 WITH OR WITHOUT POLYCYSTIC LIVER DISEASE; POLYCYSTIC KIDNEY DISEASE, ADULT, TYPE I. Identifiers: MedGen C3149841, MONDO:0008263, OMIM 173900.

Submissions (3):

Ambry Genetics
Classification: Pathogenic for Inborn genetic diseases. Last evaluated: 2025-08-18. Review status: criteria provided, single submitter. Criteria: Ambry Variant Classification Scheme 2023. Collection method: clinical testing. Allele origin: germline.
Comment: The c.2054_2055delAG (p.E685Vfs*28) alteration, located in exon 10 (coding exon 10) of the PKD1 gene, consists of a deletion of 2 nucleotides from position 2054 to 2055, causing a translational frameshift with a predicted alternate stop codon after 28 amino acids. This alteration is expected to result in loss of function by premature protein truncation or nonsense-mediated mRNA decay. This variant was not reported in population-based cohorts in the Genome Aggregation Database (gnomAD). This variant was reported in individual(s) with features consistent with PKD1-related polycystic kidney disease (Neumann, 2012). Based on the available evidence, this alteration is classified as pathogenic.

Fulgent Genetics
Classification: Pathogenic for Polycystic kidney disease, adult type. Last evaluated: 2022-05-18. Review status: criteria provided, single submitter. Criteria: ACMG Guidelines, 2015. Collection method: clinical testing. Allele origin: unknown.

Blueprint Genetics
Classification: Pathogenic for PKD1-related disorders. Last evaluated: 2020-12-17. Review status: criteria provided, single submitter. Criteria: ACMG Guidelines, 2015. Collection method: clinical testing. Allele origin: germline. Affected: yes. Observed: 1 variant allele.

Literature cited by the submitters: PubMed 22367170 (cited by Ambry Genetics).

NM_001009944.3(PKD1):c.2054_2055del (p.Glu685fs)

Gene: PKD1 (polycystin 1, transient receptor potential channel interacting; minus strand). Cytogenetic location: 16p13.3.
Variant type: Microsatellite.
Coding change: c.2054_2055del on transcript NM_001009944.3 (MANE Select); coding-DNA positions 2054 to 2055, 2 bases deleted (AG; older notation c.2054_2055delAG).
Protein change: p.Glu685fs; shifts the reading frame from glutamic acid 685.
Molecular consequence: frameshift variant.
Genome position (GRCh38, 1-based): chr16:2,115,420-2,115,421, CT deleted on the plus strand (AG on the coding strand, the reverse complement: PKD1 is on the minus strand); deleting any 2 consecutive bases within chr16:2,115,420-2,115,426 gives the same sequence; the c. name uses the placement nearest the transcript's 3' end. VCF-style (leftmost placement, unchanged base first): chr16-2115419-ACT-A. GRCh37 (hg19) VCF-style: chr16-2165420-ACT-A.
Other names: c.2054_2055del, p.Glu685fs (NM_000296.4); c.2054_2055delAG (NM_000296.3); short protein forms E685fs.
Identifiers: ClinVar variation 1179093 (VCV001179093.5), dbSNP rs2151816205, ClinGen allele CA2580613378.